The following is an entry in ClinVar:

NM_020207.7(ERCC6L2):c.1831C>A (p.Leu611Ile)

Gene: ERCC6L2 (ERCC excision repair 6 like 2; plus strand). Cytogenetic location: 9q22.32.
Variant type: single nucleotide variant.
Coding change: c.1831C>A on transcript NM_020207.7 (MANE Select); coding-DNA position 1831, C replaced by A.
Protein change: p.Leu611Ile; replaces leucine 611 with isoleucine.
Molecular consequence: missense variant. On other transcripts: non-coding transcript variant (1).
Genome position (GRCh38, 1-based): chr9:95,941,533, C>A. VCF-style: chr9-95941533-C-A. GRCh37 (hg19) VCF-style: chr9-98703815-C-A.
Other names: c.1831C>A, p.Leu611Ile (NM_001010895.4, NM_001375291.1, NM_001375292.1 and 2 more transcripts); short protein forms L611I.
Identifiers: ClinVar variation 3845877 (VCV003845877.1).
Genomic context (GRCh38, chr9:95,941,533, plus strand): 5'-AATTTTGTCGGTGCCAATGTTGTTGTATTATTTGATCCTACTTGGAATCCAGCCAATGAT[C>A]TTCAAGCCATTGACAGGTATAATACTGACAAAATTTAAAGTGATCTGCAAATACTTTTAA-3'
Protein context (NP_064592.3, residues 601-621): FDPTWNPAND[Leu611Ile]QAIDRAYRIG

ClinVar aggregate classification (germline): Uncertain significance (1 of 4 stars; one submission).

Conditions:
Inborn genetic diseases. Identifiers: MedGen C0950123, MeSH D030342.

Submission:

Ambry Genetics
Classification: Uncertain significance for Inborn genetic diseases. Last evaluated: 2025-01-15. Review status: criteria provided, single submitter. Criteria: Ambry Variant Classification Scheme 2023. Collection method: clinical testing. Allele origin: germline.
Comment: The p.L611I variant (also known as c.1831C>A), located in coding exon 12 of the ERCC6L2 gene, results from a C to A substitution at nucleotide position 1831. The leucine at codon 611 is replaced by isoleucine, an amino acid with highly similar properties. This amino acid position is conserved. In addition, the in silico prediction for this alteration is inconclusive. Based on the available evidence, the clinical significance of this variant remains unclear.